The following is an entry in ClinVar:

NM_007294.4(BRCA1):c.136T>C (p.Phe46Leu)

Gene: BRCA1 (BRCA1 DNA repair associated; minus strand). Cytogenetic location: 17q21.31.
Variant type: single nucleotide variant.
Coding change: c.136T>C on transcript NM_007294.4 (MANE Select); coding-DNA position 136, T replaced by C.
Protein change: p.Phe46Leu; replaces phenylalanine 46 with leucine.
Molecular consequence: missense variant. On other transcripts: 5 prime UTR variant (1), non-coding transcript variant (1).
Genome position (GRCh38, 1-based): chr17:43,106,532, A>G on the plus strand (T>C on the coding strand, the complement: BRCA1 is on the minus strand). VCF-style: chr17-43106532-A-G. GRCh37 (hg19) VCF-style: chr17-41258549-A-G.
Other names: c.-53T>C (NM_001407571.1, NM_001407853.1, NM_001407879.1 and 58 more transcripts); c.136T>C, p.Phe46Leu (NM_001407581.1, NM_001407582.1, NM_001407583.1 and 168 more transcripts); c.-6T>C (NM_001407692.1, NM_001407694.1, NM_001407695.1 and 99 more transcripts); short protein forms F46L.
Identifiers: ClinVar variation 867877 (VCV000867877.7), dbSNP rs2054796556, ClinGen allele CA10601883.

ClinVar aggregate classification (germline): Conflicting classifications of pathogenicity. Review status: criteria provided, conflicting classifications (1 of 4 stars). 2 submissions from 2 submitters: Uncertain significance (1); Likely benign (1). Last evaluated 2026-06-16.

Conditions:
Hereditary cancer-predisposing syndrome. Also called: Tumor predisposition; Hereditary neoplastic syndrome; Neoplastic Syndromes, Hereditary; Hereditary Cancer Syndrome. Identifiers: Orphanet 140162, MedGen C0027672, MeSH D009386, MONDO:0015356.

Submissions (3):

Ambry Genetics
Classification: Likely benign for Hereditary cancer-predisposing syndrome. Last evaluated: 2026-06-16. Review status: criteria provided, single submitter. Criteria: Ambry Variant Classification Scheme 2023. Collection method: clinical testing. Allele origin: germline.

Color Diagnostics, LLC DBA Color Health
Classification: Uncertain significance for Hereditary cancer-predisposing syndrome. Last evaluated: 2020-01-15. Review status: criteria provided, single submitter. Criteria: ACMG Guidelines, 2015. Collection method: clinical testing. Allele origin: germline.
Comment: This missense variant replaces phenylalanine with leucine at codon 46 of the BRCA1 protein. Computational prediction is inconclusive regarding the impact of this variant on protein structure and function (internally defined REVEL score threshold 0.5 < inconclusive < 0.7, PMID: 27666373). Splice site prediction tools suggest that this variant may not impact RNA splicing. To our knowledge, functional studies have not been performed for this variant. This variant has not been reported in individuals affected with hereditary cancer in the literature. This variant has not been identified in the general population by the Genome Aggregation Database (gnomAD). The available evidence is insufficient to determine the role of this variant in disease conclusively. Therefore, this variant is classified as a Variant of Uncertain Significance.

Brotman Baty Institute, University of Washington
No classification provided (evidence only). Condition: Breast-ovarian cancer, familial 1. Review status: no classification provided. Collection method: in vitro. Allele origin: not applicable. Functional consequence: functionally_normal. Not counted in ClinVar's aggregate classification.
ClinVar note: "not provided" was previously submitted as the classification for the variant. However, the classification appeared to be based only on an observation of functional data so it was converted to no classification on 2025-07-30.